The following is an entry in ClinVar:

ClinVar aggregate classification (germline): Uncertain significance. Review status: criteria provided, multiple submitters, no conflicts (2 of 4 stars). 2 submissions from 2 submitters: Uncertain significance (2). Last evaluated 2025-10-17.

Conditions:
Inborn genetic diseases. Identifiers: MedGen C0950123, MeSH D030342.
Griscelli syndrome type 2 (GS2). Also called: PARTIAL ALBINISM AND IMMUNODEFICIENCY SYNDROME; GRISCELLI SYNDROME WITH HEMOPHAGOCYTIC SYNDROME; PAID SYNDROME. Identifiers: Orphanet 381, Orphanet 79477, MedGen C1868679, MONDO:0011872, OMIM 607624.

Allele frequency attached by ClinVar (database versions not stated): gnomAD exomes below 0.00001; gnomAD 0.00001; TOPMed 0.00001.
gnomAD v4.1: 6 of 1,613,578 alleles (0.00037%); highest among the groups gnomAD compares: Admixed American, 0.0033%; no homozygotes.

Submissions (2):

Ambry Genetics
Classification: Uncertain significance for Inborn genetic diseases. Last evaluated: 2025-10-17. Review status: criteria provided, single submitter. Criteria: Ambry Variant Classification Scheme 2023. Collection method: clinical testing. Allele origin: germline.

Labcorp Genetics (formerly Invitae), Labcorp
Classification: Uncertain significance for Griscelli syndrome type 2. Last evaluated: 2022-08-23. Review status: criteria provided, single submitter. Criteria: Invitae Variant Classification Sherloc (09022015). Collection method: clinical testing. Allele origin: germline.
Comment: This sequence change replaces alanine, which is neutral and non-polar, with threonine, which is neutral and polar, at codon 152 of the RAB27A protein (p.Ala152Thr). The frequency data for this variant in the population databases is considered unreliable, as metrics indicate poor data quality at this position in the gnomAD database. This variant has not been reported in the literature in individuals affected with RAB27A-related conditions. ClinVar contains an entry for this variant (Variation ID: 1443147). Algorithms developed to predict the effect of missense changes on protein structure and function are either unavailable or do not agree on the potential impact of this missense change (SIFT: "Deleterious"; PolyPhen-2: "Benign"; Align-GVGD: "Class C55"). In summary, the available evidence is currently insufficient to determine the role of this variant in disease. Therefore, it has been classified as a Variant of Uncertain Significance.

NM_183235.3(RAB27A):c.454G>A (p.Ala152Thr)

Gene: RAB27A (RAB27A, member RAS oncogene family; minus strand). Cytogenetic location: 15q21.3.
Variant type: single nucleotide variant.
Coding change: c.454G>A on transcript NM_183235.3 (MANE Select); coding-DNA position 454, G replaced by A.
Protein change: p.Ala152Thr; replaces alanine 152 with threonine.
Molecular consequence: missense variant.
Genome position (GRCh38, 1-based): chr15:55,223,902, C>T on the plus strand (G>A on the coding strand, the complement: RAB27A is on the minus strand). VCF-style: chr15-55223902-C-T. GRCh37 (hg19) VCF-style: chr15-55516100-C-T.
Other names: c.454G>A, p.Ala152Thr (NM_004580.5, NM_183234.3, NM_183236.3); c.454G>A (NM_004580.4); short protein forms A152T.
Identifiers: ClinVar variation 1443147 (VCV001443147.4), dbSNP rs104894499, ClinGen allele CA392529511.